The following is an entry in ClinVar:

NM_001605.3(AARS1):c.1216A>T (p.Ile406Phe)

Gene: AARS1 (alanyl-tRNA synthetase 1; minus strand). Cytogenetic location: 16q22.1.
Variant type: single nucleotide variant.
Coding change: c.1216A>T on transcript NM_001605.3 (MANE Select); coding-DNA position 1216, A replaced by T.
Protein change: p.Ile406Phe; replaces isoleucine 406 with phenylalanine.
Molecular consequence: missense variant.
Genome position (GRCh38, 1-based): chr16:70,267,665, T>A on the plus strand (A>T on the coding strand, the complement: AARS1 is on the minus strand). VCF-style: chr16-70267665-T-A. GRCh37 (hg19) VCF-style: chr16-70301568-T-A.
Other names: short protein forms I406F.
Identifiers: ClinVar variation 2020394 (VCV002020394.4), dbSNP rs1960294946, ClinGen allele CA396563203.

ClinVar aggregate classification (germline): Uncertain significance (1 of 4 stars; one submission).

Conditions:
Charcot-Marie-Tooth disease type 2. Also called: Charcot-Marie-Tooth type 2. Identifiers: Orphanet 64746, MedGen C0270914, MONDO:0018993.

Allele frequency attached by ClinVar (database versions not stated): TOPMed 0.00001; gnomAD 0.00001.
gnomAD v4.1: 1 of 1,614,030 alleles (0.000062%); highest among the groups gnomAD compares: Non-Finnish European, 0.000085%; no homozygotes.

Submission:

Labcorp Genetics (formerly Invitae), Labcorp
Classification: Uncertain significance for Charcot-Marie-Tooth disease type 2. Last evaluated: 2022-10-17. Review status: criteria provided, single submitter. Criteria: Invitae Variant Classification Sherloc (09022015). Collection method: clinical testing. Allele origin: germline.
Comment: In summary, the available evidence is currently insufficient to determine the role of this variant in disease. Therefore, it has been classified as a Variant of Uncertain Significance. Advanced modeling of protein sequence and biophysical properties (such as structural, functional, and spatial information, amino acid conservation, physicochemical variation, residue mobility, and thermodynamic stability) performed at Invitae indicates that this missense variant is not expected to disrupt AARS protein function. This variant has not been reported in the literature in individuals affected with AARS-related conditions. This variant is not present in population databases (gnomAD no frequency). This sequence change replaces isoleucine, which is neutral and non-polar, with phenylalanine, which is neutral and non-polar, at codon 406 of the AARS protein (p.Ile406Phe).